The following is an entry in ClinVar:

ClinVar aggregate classification (germline): Uncertain significance (1 of 4 stars; one submission).

Conditions:
ALMS1-related disorder. Also called: ALMS1-related condition.

Submission:

PreventionGenetics, part of Exact Sciences
Classification: Uncertain significance for ALMS1-related condition. Last evaluated: 2026-02-19. Review status: criteria provided, single submitter. Criteria: ACMG Guidelines, 2015. Collection method: clinical testing. Allele origin: germline.
Comment: The ALMS1 c.10482T>G variant is predicted to result in the amino acid substitution p.Asp3494Glu. To our knowledge, this variant has not been reported in the literature. This variant is reported in 0.0029% of alleles in individuals of Latino descent in gnomAD. At this time, the clinical significance of this variant is uncertain due to the absence of conclusive functional and genetic evidence.

NM_001378454.1(ALMS1):c.10479T>G (p.Asp3493Glu)

Gene: ALMS1 (ALMS1 centrosome and basal body associated protein; plus strand). Cytogenetic location: 2p13.1.
Variant type: single nucleotide variant.
Coding change: c.10479T>G on transcript NM_001378454.1 (MANE Select); coding-DNA position 10479, T replaced by G.
Protein change: p.Asp3493Glu; replaces aspartic acid 3493 with glutamic acid.
Molecular consequence: missense variant.
Genome position (GRCh38, 1-based): chr2:73,572,356, T>G. VCF-style: chr2-73572356-T-G. GRCh37 (hg19) VCF-style: chr2-73799483-T-G.
Other names: c.10482T>G, p.Asp3494Glu (NM_015120.4); short protein forms D3493E, D3494E.
Identifiers: ClinVar variation 4996506 (VCV004996506.1).